The following is an entry in ClinVar:

NM_177438.3(DICER1):c.5408A>G (p.Glu1803Gly)

Gene: DICER1 (dicer 1, ribonuclease III; minus strand). Cytogenetic location: 14q32.13.
Variant type: single nucleotide variant.
Coding change: c.5408A>G on transcript NM_177438.3 (MANE Select); coding-DNA position 5408, A replaced by G.
Protein change: p.Glu1803Gly; replaces glutamic acid 1803 with glycine.
Molecular consequence: missense variant. On other transcripts: intron variant (1).
Genome position (GRCh38, 1-based): chr14:95,091,322, T>C on the plus strand (A>G on the coding strand, the complement: DICER1 is on the minus strand). VCF-style: chr14-95091322-T-C. GRCh37 (hg19) VCF-style: chr14-95557659-T-C.
Other names: c.5408A>G, p.Glu1803Gly (NM_001271282.3, NM_001291628.2, NM_030621.4); c.5365-213A>G (NM_001195573.1); short protein forms E1803G.
Identifiers: ClinVar variation 1426516 (VCV001426516.7), dbSNP rs2139778832, ClinGen allele CA390864722.
Genomic context (GRCh38, chr14:95,091,322, plus strand): 5'-CTATCCATGTAAATGGCACCAGCAAGCGACTCAAAAATATCCCCCATGGCCTTTGGAACT[T>C]CAATATCCTCTTCTTTCTCTTCATCCTCCTCAGATCTCCTAAGCTATTACAGAGGGAAAA-3'
Protein context (NP_803187.1, residues 1793-1813): EEDEEKEEDI[Glu1803Gly]VPKAMGDIFE

ClinVar aggregate classification (germline): Uncertain significance (1 of 4 stars; one submission).

Conditions:
DICER1-related tumor predisposition. Also called: DICER1-related pleuropulmonary blastoma cancer predisposition syndrome; DICER1 syndrome. Identifiers: Orphanet 284343, MedGen C3839822, MONDO:0100216.

Submission:

Labcorp Genetics (formerly Invitae), Labcorp
Classification: Uncertain significance for DICER1-related tumor predisposition. Last evaluated: 2021-11-17. Review status: criteria provided, single submitter. Criteria: Invitae Variant Classification Sherloc (09022015). Collection method: clinical testing. Allele origin: germline.
Comment: This sequence change replaces glutamic acid, which is acidic and polar, with glycine, which is neutral and non-polar, at codon 1803 of the DICER1 protein (p.Glu1803Gly). This variant is not present in population databases (gnomAD no frequency). This variant has not been reported in the literature in individuals affected with DICER1-related conditions. Algorithms developed to predict the effect of missense changes on protein structure and function (SIFT, PolyPhen-2, Align-GVGD) all suggest that this variant is likely to be disruptive. In summary, the available evidence is currently insufficient to determine the role of this variant in disease. Therefore, it has been classified as a Variant of Uncertain Significance.